The following is an entry in ClinVar:

ClinVar aggregate classification (germline): Uncertain significance (1 of 4 stars; one submission).

Conditions:
Inborn genetic diseases. Identifiers: MedGen C0950123, MeSH D030342.

Submission:

Ambry Genetics
Classification: Uncertain significance for Inborn genetic diseases. Last evaluated: 2025-07-14. Review status: criteria provided, single submitter. Criteria: Ambry Variant Classification Scheme 2023. Collection method: clinical testing. Allele origin: germline.
Comment: The p.S140N variant (also known as c.419G>A), located in coding exon 3 of the MECOM gene, results from a G to A substitution at nucleotide position 419. The serine at codon 140 is replaced by asparagine, an amino acid with highly similar properties. This amino acid position is conserved. In addition, this alteration is predicted to be tolerated by in silico analysis. Based on the available evidence, the clinical significance of this variant remains unclear.

NM_004991.4(MECOM):c.419G>A (p.Ser140Asn)

Gene: MECOM (MDS1 and EVI1 complex locus; minus strand). Cytogenetic location: 3q26.2.
Variant type: single nucleotide variant.
Coding change: c.419G>A on transcript NM_004991.4 (MANE Select); coding-DNA position 419, G replaced by A.
Protein change: p.Ser140Asn; replaces serine 140 with asparagine.
Molecular consequence: missense variant. On other transcripts: 5 prime UTR variant (12).
Genome position (GRCh38, 1-based): chr3:169,143,789, C>T on the plus strand (G>A on the coding strand, the complement: MECOM is on the minus strand). VCF-style: chr3-169143789-C-T. GRCh37 (hg19) VCF-style: chr3-168861577-C-T.
Other names: c.47G>A, p.Ser16Asn (NM_001105077.4); c.-146G>A (NM_001105078.4, NM_001163999.2, NM_001164000.2 and 9 more transcripts); c.419G>A, p.Ser140Asn (NM_001366466.2, NM_001366473.2); short protein forms S140N, S16N.
Identifiers: ClinVar variation 4105772 (VCV004105772.1).